The following is an entry in ClinVar:

ClinVar aggregate classification (germline): Conflicting classifications of pathogenicity. Review status: criteria provided, conflicting classifications (1 of 4 stars). 2 submissions from 2 submitters: Uncertain significance (1); Likely benign (1). Last evaluated 2026-02-23.

Conditions:
Inborn genetic diseases. Identifiers: MedGen C0950123, MeSH D030342.
Baller-Gerold syndrome (BGS). Also called: CRANIOSYNOSTOSIS WITH RADIAL DEFECTS. Identifiers: Orphanet 1225, MedGen C0265308, MONDO:0009039, OMIM 218600.

Submissions (2):

Ambry Genetics
Classification: Likely benign for Inborn genetic diseases. Last evaluated: 2026-02-23. Review status: criteria provided, single submitter. Criteria: Ambry Variant Classification Scheme 2023. Collection method: clinical testing. Allele origin: germline.

Labcorp Genetics (formerly Invitae), Labcorp
Classification: Uncertain significance for Baller-Gerold syndrome. Last evaluated: 2022-06-13. Review status: criteria provided, single submitter. Criteria: Invitae Variant Classification Sherloc (09022015). Collection method: clinical testing. Allele origin: germline.
Comment: In summary, the available evidence is currently insufficient to determine the role of this variant in disease. Therefore, it has been classified as a Variant of Uncertain Significance. Algorithms developed to predict the effect of missense changes on protein structure and function output the following: SIFT: "Not Available"; PolyPhen-2: "Not Available"; Align-GVGD: "Not Available". The leucine amino acid residue is found in multiple mammalian species, which suggests that this missense change does not adversely affect protein function. ClinVar contains an entry for this variant (Variation ID: 843911). This variant has not been reported in the literature in individuals affected with RECQL4-related conditions. This variant is not present in population databases (gnomAD no frequency). This sequence change replaces phenylalanine, which is neutral and non-polar, with leucine, which is neutral and non-polar, at codon 242 of the RECQL4 protein (p.Phe242Leu).

NM_004260.4(RECQL4):c.726C>A (p.Phe242Leu)

Gene: RECQL4 (RecQ like helicase 4; minus strand). Cytogenetic location: 8q24.3.
Variant type: single nucleotide variant.
Coding change: c.726C>A on transcript NM_004260.4 (MANE Select); coding-DNA position 726, C replaced by A.
Protein change: p.Phe242Leu; replaces phenylalanine 242 with leucine.
Molecular consequence: missense variant.
Genome position (GRCh38, 1-based): chr8:144,516,393, G>T on the plus strand (C>A on the coding strand, the complement: RECQL4 is on the minus strand). VCF-style: chr8-144516393-G-T. GRCh37 (hg19) VCF-style: chr8-145741777-G-T.
Other names: short protein forms F242L.
Identifiers: ClinVar variation 843911 (VCV000843911.7), dbSNP rs1814998636, ClinGen allele CA372689507.